The following is an entry in ClinVar:

ClinVar aggregate classification (germline): Likely benign. Review status: criteria provided, multiple submitters, no conflicts (2 of 4 stars). 3 submissions from 3 submitters: Likely benign (3). Last evaluated 2025-12-01.

Conditions:
Cardiovascular phenotype. Identifiers: MedGen CN230736.
Duchenne muscular dystrophy (DMD). Also called: MUSCULAR DYSTROPHY, PSEUDOHYPERTROPHIC PROGRESSIVE, DUCHENNE TYPE; Duchenne Muscular Dystrophy (DMD). Identifiers: Orphanet 98896, MedGen C0013264, MONDO:0010679, OMIM 310200.

gnomAD v4.1: 31 of 1,208,250 alleles (0.0026%); highest among the groups gnomAD compares: Non-Finnish European, 0.0035%; no homozygotes.

Submissions (3):

CeGaT Center for Human Genetics Tuebingen
Classification: Likely benign. Last evaluated: 2025-12-01. Review status: criteria provided, single submitter. Criteria: CeGaT Center For Human Genetics Tuebingen Variant Classification Criteria Version 2. Collection method: clinical testing. Allele origin: germline. Affected: yes. Observed: 1 variant allele.
Comment: DMD: BP4, BP7, BS2

Labcorp Genetics (formerly Invitae), Labcorp
Classification: Likely benign for Duchenne muscular dystrophy. Last evaluated: 2025-05-14. Review status: criteria provided, single submitter. Criteria: Invitae Variant Classification Sherloc (09022015). Collection method: clinical testing. Allele origin: germline.

Ambry Genetics
Classification: Likely benign for Cardiovascular phenotype. Last evaluated: 2022-07-14. Review status: criteria provided, single submitter. Criteria: Ambry Variant Classification Scheme 2023. Collection method: clinical testing. Allele origin: germline.

NM_004006.3(DMD):c.2251C>A (p.Arg751=)

Gene: DMD (dystrophin; minus strand). Cytogenetic location: Xp21.1.
Variant type: single nucleotide variant.
Coding change: c.2251C>A on transcript NM_004006.3 (MANE Select); coding-DNA position 2251, C replaced by A.
Protein change: p.Arg751=; no amino-acid change (arginine 751 retained).
Molecular consequence: synonymous variant.
Genome position (GRCh38, 1-based): chrX:32,518,049, G>T on the plus strand (C>A on the coding strand, the complement: DMD is on the minus strand). VCF-style: chrX-32518049-G-T. GRCh37 (hg19) VCF-style: chrX-32536166-G-T.
Other names: c.2227C>A, p.Arg743= (NM_000109.4); c.2239C>A, p.Arg747= (NM_004009.3); c.1882C>A, p.Arg628= (NM_004010.3).
Identifiers: ClinVar variation 1788438 (VCV001788438.8), dbSNP rs373475448, ClinGen allele CA328009398.
Genomic context (GRCh38, chrX:32,518,049, plus strand): 5'-AAATTAATGCATAACCTACATTGACTTTTTCTTTTAAGTCTGAGAAGTTGCCTTCCTTCC[G>T]AAAGATTGCAAATTCAGGACTCTGCAACACAGCTTCTGAGCGAGTAATCCAGCTGTGAAG-3'
Protein context (NP_003997.2, residues 741-761): VLQSPEFAIF[Arg751=]KEGNFSDLKE